The following is an entry in ClinVar:

NM_001204.7(BMPR2):c.658G>C (p.Gly220Arg)

Gene: BMPR2 (bone morphogenetic protein receptor type 2; plus strand). Cytogenetic location: 2q33.2.
Variant type: single nucleotide variant.
Coding change: c.658G>C on transcript NM_001204.7 (MANE Select); coding-DNA position 658, G replaced by C.
Protein change: p.Gly220Arg; replaces glycine 220 with arginine.
Molecular consequence: missense variant.
Genome position (GRCh38, 1-based): chr2:202,518,858, G>C. VCF-style: chr2-202518858-G-C. GRCh37 (hg19) VCF-style: chr2-203383581-G-C.
Other names: short protein forms G220R.
Identifiers: ClinVar variation 4843373 (VCV004843373.1).

ClinVar aggregate classification (germline): Uncertain significance (1 of 4 stars; one submission).

Conditions:
Inborn genetic diseases. Identifiers: MedGen C0950123, MeSH D030342.

Submission:

Ambry Genetics
Classification: Uncertain significance for Inborn genetic diseases. Last evaluated: 2026-01-03. Review status: criteria provided, single submitter. Criteria: Ambry Variant Classification Scheme 2023. Collection method: clinical testing. Allele origin: germline.
Comment: The p.G220R variant (also known as c.658G>C), located in coding exon 6 of the BMPR2 gene, results from a G to C substitution at nucleotide position 658. The glycine at codon 220 is replaced by arginine, an amino acid with dissimilar properties. This amino acid position is conserved. In addition, this alteration is predicted to be deleterious by in silico analysis. Based on the available evidence, the clinical significance of this variant remains unclear.